The following is an entry in ClinVar:

NM_000051.4(ATM):c.6405_6407delinsC (p.Asp2137fs)

Genes: ATM (ATM serine/threonine kinase; plus strand), C11orf65 (chromosome 11 open reading frame 65; minus strand). Cytogenetic location: 11q22.3.
Variant type: Indel.
Coding change: c.6405_6407delinsC on transcript NM_000051.4 (MANE Select); coding-DNA positions 6405 to 6407, AAG replaced by C.
Protein change: p.Asp2137fs; shifts the reading frame from aspartic acid 2137.
Molecular consequence: frameshift variant. On other transcripts: intron variant (2).
Genome position (GRCh38, 1-based): chr11:108,320,011-108,320,013, AAG replaced by C. VCF-style: chr11-108320011-AAG-C. GRCh37 (hg19) VCF-style: chr11-108190738-AAG-C.
Other names: c.6405_6407delinsC, p.Asp2137fs (NM_001351834.2); c.641-10942_641-10940delinsG (NM_001330368.2); c.*39-10942_*39-10940delinsG (NM_001351110.2); short protein forms D2137fs.
Identifiers: ClinVar variation 3148360 (VCV003148360.1), dbSNP rs2547146821, ClinGen allele CA2825001863.

ClinVar aggregate classification (germline): Pathogenic (1 of 4 stars; one submission).

Conditions:
Familial cancer of breast. Also called: hereditary breast carcinoma; BREAST CANCER, FAMILIAL; Hereditary breast cancer. Identifiers: Orphanet 227535, MedGen C0346153, MONDO:0016419, OMIM 114480. Disease mechanism: loss of function.

Submission:

Myriad Genetics, Inc.
Classification: Pathogenic for Familial cancer of breast. Last evaluated: 2024-01-29. Review status: criteria provided, single submitter. Criteria: Myriad Autosomal Dominant, Autosomal Recessive and X-Linked Classification Criteria (2023). Collection method: clinical testing. Allele origin: unknown.
Comment: This variant is considered pathogenic. This variant creates a frameshift predicted to result in premature protein truncation.